The following is an entry in ClinVar:

NM_000719.7(CACNA1C):c.3284A>G (p.Lys1095Arg)

Gene: CACNA1C (calcium voltage-gated channel subunit alpha1 C; plus strand). Cytogenetic location: 12p13.33.
Variant type: single nucleotide variant.
Coding change: c.3284A>G on transcript NM_000719.7 (MANE Select); coding-DNA position 3284, A replaced by G.
Protein change: p.Lys1095Arg; replaces lysine 1095 with arginine.
Molecular consequence: missense variant.
Genome position (GRCh38, 1-based): chr12:2,607,058, A>G. VCF-style: chr12-2607058-A-G. GRCh37 (hg19) VCF-style: chr12-2716224-A-G.
Other names: c.3344A>G, p.Lys1115Arg (NM_001129827.2, NM_001129832.2, NM_199460.4); c.3284A>G, p.Lys1095Arg (NM_001129829.2, NM_001129830.3, NM_001129831.2 and 15 more transcripts); c.3275A>G, p.Lys1092Arg (NM_001129844.2); short protein forms K1092R, K1095R, K1115R.
Identifiers: ClinVar variation 3036498 (VCV003036498.4), dbSNP rs1356377985, ClinGen allele CA383374859.
Genomic context (GRCh38, chr12:2,607,058, plus strand): 5'-CGTACAAAGACGGGGAGGTTGACCACCCCATCATCCAACCCCGCAGCTGGGAGAACAGCA[A>G]GTTTGACTTTGACAATGTTCTGGCAGCCATGATGGCCCTCTTCACCGTCTCCACCTTCGA-3'
Protein context (NP_000710.5, residues 1085-1105): IIQPRSWENS[Lys1095Arg]FDFDNVLAAM

ClinVar aggregate classification (germline): Uncertain significance. Review status: criteria provided, single submitter (1 of 4 stars). 2 submissions from 2 submitters: Uncertain significance (1). 1 of the submissions does not count toward it. Last evaluated 2025-10-07.

Conditions:
CACNA1C-related disorder. Also called: CACNA1C-related disorders; CACNA1C-related condition. Identifiers: MedGen CN381092, MONDO:0700321.
Long QT syndrome (LQTS). Identifiers: MedGen C0023976, MeSH D008133, MONDO:0002442. Disease mechanism: loss of function. Inheritance: Various modes of inheritance.

Allele frequency attached by ClinVar (database versions not stated): gnomAD exomes below 0.00001; gnomAD 0.00001; TOPMed 0.00002.
gnomAD v4.1: 4 of 1,613,822 alleles (0.00025%); highest among the groups gnomAD compares: African/African-American, 0.0013%; no homozygotes.

Submissions (2):

Labcorp Genetics (formerly Invitae), Labcorp
Classification: Uncertain significance for Long QT syndrome. Last evaluated: 2025-10-07. Review status: criteria provided, single submitter. Criteria: Invitae Variant Classification Sherloc (09022015). Collection method: clinical testing. Allele origin: germline.
Comment: This sequence change replaces lysine, which is basic and polar, with arginine, which is basic and polar, at codon 1095 of the CACNA1C protein (p.Lys1095Arg). This variant is present in population databases (no rsID available, gnomAD 0.007%). This variant has not been reported in the literature in individuals affected with CACNA1C-related conditions. ClinVar contains an entry for this variant (Variation ID: 3036498). Invitae Evidence Modeling of protein sequence and biophysical properties (such as structural, functional, and spatial information, amino acid conservation, physicochemical variation, residue mobility, and thermodynamic stability) indicates that this missense variant is not expected to disrupt CACNA1C protein function with a negative predictive value of 95%. In summary, the available evidence is currently insufficient to determine the role of this variant in disease. Therefore, it has been classified as a Variant of Uncertain Significance.

PreventionGenetics, part of Exact Sciences
Classification: Uncertain significance for CACNA1C-related condition. Last evaluated: 2024-02-29. Review status: no assertion criteria provided. Collection method: clinical testing. Allele origin: germline. Not counted in ClinVar's aggregate classification.
Comment: The CACNA1C c.3284A>G variant is predicted to result in the amino acid substitution p.Lys1095Arg. To our knowledge, this variant has not been reported in the literature. This variant is reported in 0.0065% of alleles in individuals of European (Non-Finnish) descent in gnomAD. At this time, the clinical significance of this variant is uncertain due to the absence of conclusive functional and genetic evidence.